The following is an entry in ClinVar:

NM_000558.5(HBA1):c.55G>C (p.Gly19Arg)

Genes: HBA1 (hemoglobin subunit alpha 1; plus strand), LOC106804613 (hemoglobin subunit alpha 1 recombination region; plus strand). Cytogenetic location: 16p13.3.
Variant type: single nucleotide variant.
Coding change: c.55G>C on transcript NM_000558.5 (MANE Select); coding-DNA position 55, G replaced by C.
Protein change: p.Gly19Arg; replaces glycine 19 with arginine.
Molecular consequence: missense variant.
Genome position (GRCh38, 1-based): chr16:176,771, G>C. VCF-style: chr16-176771-G-C. GRCh37 (hg19) VCF-style: chr16-226770-G-C.
Other names: G18R; short protein forms G19R.
Identifiers: ClinVar variation 15736 (VCV000015736.3), dbSNP rs34504387, ClinGen allele CA125743.

ClinVar aggregate classification (germline): Likely benign. Review status: criteria provided, single submitter (1 of 4 stars). 2 submissions from 2 submitters: Likely benign (1). 1 of the submissions does not count toward it. Last evaluated 2024-08-05.

Conditions:
HEMOGLOBIN HANDSWORTH.

Submissions (2):

ARUP Laboratories, Molecular Genetics and Genomics, ARUP Laboratories
Classification: Likely benign. Last evaluated: 2024-08-05. Review status: criteria provided, single submitter. Criteria: ARUP Molecular Germline Variant Investigation Process 2024. Collection method: clinical testing. Allele origin: germline.
Comment: The HBA1 c.55G>C; p.Gly19Arg variant (Hb Handsworth, also known as Gly18Arg when numbered from the mature protein, rs34504387, ClinVar Variation ID 15736, HbVar ID: 22) has been reported as a stable hemoglobin and identified in the HBA2 gene of heterozygous individuals without clinically significant symptoms (Al Zadjali 2014, Griffiths 1977, see HbVar database and references therein). However, it has not been previously described in the literature in the HBA1 gene, and the phenotype of this variant in the presence of other alpha globin variants is unknown. This HBA1 variant is absent from the Genome Aggregation Database (v2.1.1), indicating it is not a common polymorphism. Computational analyses are uncertain whether this variant is neutral or deleterious (REVEL: 0.462). Based on available information, this variant is considered to be likely benign. References: Link to HbVar database: Al Zadjali S et al. Potential pitfalls in the diagnosis of Hb Handsworth in areas with high prevalence of HbS. Int J Lab Hematol. 2014 Aug;36(4):488-92. PMID: 24165563. Griffiths KD et al. Haemoglobin Handsworth alpha 18 (A16) glycine leads to arginne. FEBS Lett. 1977 Mar 15;75(1):93-5. PMID: 852596.

OMIM
Classification: other for HEMOGLOBIN HANDSWORTH. Last evaluated: 2016-07-20. Review status: no assertion criteria provided. Collection method: literature only. Allele origin: germline. Not counted in ClinVar's aggregate classification.

Literature cited by the submitters: PubMed 852596 (cited by OMIM); PubMed 7216818 (cited by OMIM); PubMed 4030381 (cited by OMIM).